The following is an entry in ClinVar:

NM_001267550.2(TTN):c.2301A>G (p.Arg767=)

Gene: TTN (titin; minus strand). Cytogenetic location: 2q31.2.
Variant type: single nucleotide variant.
Coding change: c.2301A>G on transcript NM_001267550.2 (MANE Select); coding-DNA position 2301, A replaced by G.
Protein change: p.Arg767=; no amino-acid change (arginine 767 retained).
Molecular consequence: synonymous variant.
Genome position (GRCh38, 1-based): chr2:178,785,917, T>C on the plus strand (A>G on the coding strand, the complement: TTN is on the minus strand). VCF-style: chr2-178785917-T-C. GRCh37 (hg19) VCF-style: chr2-179650644-T-C.
Other names: c.2301A>G, p.Arg767= (NM_001256850.1, NM_133378.4, NM_133379.5); c.2163A>G, p.Arg721= (NM_003319.4, NM_133432.3, NM_133437.4).
Identifiers: ClinVar variation 518059 (VCV000518059.18), dbSNP rs746831560, ClinGen allele CA2005861.
Genomic context (GRCh38, chr2:178,785,917, plus strand): 5'-TATGTGCATTCCCTTTTGATCAGTAGTTTTGATATGAGTCTCAGAAGGAGCCTGGATTAC[T>C]CTAGGCTTGACTGCTTTAGGGACAACGTGGGGTTCTGAGGCTGGACGTTGGGGAGGCTCA-3'
Protein context (NP_001254479.2, residues 757-777): PHVVPKAVKP[Arg767=]VIQAPSETHI

ClinVar aggregate classification (germline): Conflicting classifications of pathogenicity. Review status: criteria provided, conflicting classifications (1 of 4 stars). 6 submissions from 6 submitters: Uncertain significance (1); Likely benign (4). 1 of the submissions does not count toward it. Last evaluated 2025-11-25.

Conditions:
TTN-related disorder. Also called: TTN-related disorders; TTN-related condition; TTN-related disease.
Dilated cardiomyopathy 1G (CMD1G). Identifiers: Orphanet 154, MedGen C1858763, MONDO:0011400, OMIM 604145.
Autosomal recessive limb-girdle muscular dystrophy type 2J (LGMDR10). Also called: Limb-girdle muscular dystrophy, type 2J; MUSCULAR DYSTROPHY, LIMB-GIRDLE, AUTOSOMAL RECESSIVE 10. Identifiers: Orphanet 140922, MedGen C1837342, MONDO:0012127, OMIM 608807.
Cardiovascular phenotype. Identifiers: MedGen CN230736.

Allele frequency attached by ClinVar (database versions not stated): gnomAD exomes 0.00001 and 0.00002; gnomAD 0.00002 and 0.00003; TOPMed 0.00003; ExAC 0.00004.

Submissions (6):

Labcorp Genetics (formerly Invitae), Labcorp
Classification: Likely benign for Dilated cardiomyopathy 1G; Autosomal recessive limb-girdle muscular dystrophy type 2J. Last evaluated: 2025-11-25. Review status: criteria provided, single submitter. Criteria: Invitae Variant Classification Sherloc (09022015). Collection method: clinical testing. Allele origin: germline.

Revvity Omics, Revvity
Classification: Uncertain significance. Last evaluated: 2024-10-28. Review status: criteria provided, single submitter. Criteria: ACMG Guidelines, 2015. Collection method: clinical testing. Allele origin: germline.

Women's Health and Genetics/Laboratory Corporation of America, LabCorp
Classification: Likely benign. Last evaluated: 2023-08-19. Review status: criteria provided, single submitter. Criteria: LabCorp Variant Classification Summary - May 2015. Collection method: clinical testing. Allele origin: germline.

Ambry Genetics
Classification: Likely benign for Cardiovascular phenotype. Last evaluated: 2019-04-22. Review status: criteria provided, single submitter. Criteria: Ambry Variant Classification Scheme 2023. Collection method: clinical testing. Allele origin: germline.

GeneDx
Classification: Likely benign. Last evaluated: 2017-06-13. Review status: criteria provided, single submitter. Criteria: GeneDx Variant Classification (06012015). Collection method: clinical testing. Allele origin: germline. Affected: yes.
Comment: This variant is considered likely benign or benign based on one or more of the following criteria: it is a conservative change, it occurs at a poorly conserved position in the protein, it is predicted to be benign by multiple in silico algorithms, and/or has population frequency not consistent with disease.

PreventionGenetics, part of Exact Sciences
Classification: Likely benign for TTN-related condition. Last evaluated: 2023-06-06. Review status: no assertion criteria provided. Collection method: clinical testing. Allele origin: germline. Not counted in ClinVar's aggregate classification.
Comment: This variant is classified as likely benign based on ACMG/AMP sequence variant interpretation guidelines (Richards et al. 2015 PMID: 25741868, with internal and published modifications).